The following is an entry in ClinVar:

ClinVar aggregate classification (germline): Pathogenic (1 of 4 stars; one submission).

Conditions:
Hereditary cancer-predisposing syndrome. Also called: Neoplastic Syndromes, Hereditary; Hereditary Cancer Syndrome; Hereditary neoplastic syndrome; Tumor predisposition. Identifiers: Orphanet 140162, MedGen C0027672, MeSH D009386, MONDO:0015356.

Submission:

Ambry Genetics
Classification: Pathogenic for Hereditary cancer-predisposing syndrome. Last evaluated: 2016-03-25. Review status: criteria provided, single submitter. Criteria: Ambry Variant Classification Scheme 2023. Collection method: clinical testing. Allele origin: germline.
Comment: The c.4486delT pathogenic mutation, located in coding exon 13 of the BRCA1 gene, results from a deletion of one nucleotide at nucleotide position 4486, causing a translational frameshift with a predicted alternate stop codon. Since frameshifts are typically deleterious in nature, this alteration is interpreted as a disease-causing mutation (ACMG Recommendations for Standards for Interpretation and Reporting of Sequence Variations. Revision 2007. Genet Med. 2008;10:294).

NM_007294.4(BRCA1):c.4486del (p.Ser1496fs)

Gene: BRCA1 (BRCA1 DNA repair associated; minus strand). Cytogenetic location: 17q21.31.
Variant type: Deletion.
Coding change: c.4486del on transcript NM_007294.4 (MANE Select); coding-DNA position 4486, one base deleted (T; older notation c.4486delT).
Protein change: p.Ser1496fs; shifts the reading frame from serine 1496.
Molecular consequence: frameshift variant. On other transcripts: non-coding transcript variant (1).
Genome position (GRCh38, 1-based): chr17:43,074,520, A deleted on the plus strand (T on the coding strand, the reverse complement: BRCA1 is on the minus strand). VCF-style (leftmost placement, unchanged base first): chr17-43074519-GA-G. GRCh37 (hg19) VCF-style: chr17-41226536-GA-G.
Other names: c.4150delT, p.Ser1384Hisfs (NM_001407954.1, NM_001407955.1, NM_001407950.1 and 3 more transcripts); c.910delT, p.Ser304Hisfs (NM_001408503.1, NM_001408504.1, NM_001408502.1); c.907delT, p.Ser303Hisfs (NM_001408505.1); c.4477delT, p.Ser1493Hisfs (NM_001407644.1, NM_001407645.1); c.4147delT, p.Ser1383Hisfs (NM_001407956.1, NM_001407958.1, NM_001407957.1); c.850delT, p.Ser284Hisfs (NM_001408506.1); c.793delT, p.Ser265Hisfs (NM_001408511.1); c.673delT, p.Ser225Hisfs (NM_001408512.1); and 71 more; short protein forms S1449fs, S392fs, S1517fs, S1496fs.
Identifiers: ClinVar variation 479209 (VCV000479209.6), dbSNP rs1555582082, ClinGen allele CA658656638.